The following is an entry in ClinVar:

ClinVar aggregate classification (germline): Likely pathogenic (1 of 4 stars; one submission).

Submission:

GeneDx
Classification: Likely pathogenic. Last evaluated: 2024-09-29. Review status: criteria provided, single submitter. Criteria: GeneDx Variant Classification Process June 2021. Collection method: clinical testing. Allele origin: germline. Affected: yes.
Comment: Nonsense variant predicted to result in protein truncation, as the last 285 amino acids are lost, and other loss-of-function variants have been reported; Not observed at significant frequency in large population cohorts (gnomAD); This variant is associated with the following publications: (PMID: 33994118)

NM_001394998.1(TANC2):c.5368C>T (p.Arg1790Ter)

Gene: TANC2 (tetratricopeptide repeat, ankyrin repeat and coiled-coil containing 2; plus strand). Cytogenetic location: 17q23.3.
Variant type: single nucleotide variant.
Coding change: c.5368C>T on transcript NM_001394998.1 (MANE Select); coding-DNA position 5368, C replaced by T.
Protein change: p.Arg1790Ter; replaces arginine 1790 with a stop codon.
Molecular consequence: nonsense.
Genome position (GRCh38, 1-based): chr17:63,421,098, C>T. VCF-style: chr17-63421098-C-T. GRCh37 (hg19) VCF-style: chr17-61498459-C-T.
Other names: c.5146C>T, p.Arg1716Ter (NM_001411076.1); c.5116C>T, p.Arg1706Ter (NM_025185.4); short protein forms R1706*, R1716*, R1790*.
Identifiers: ClinVar variation 3776373 (VCV003776373.1).